The following is an entry in ClinVar:

NM_001166108.2(PALLD):c.2507C>G (p.Pro836Arg)

Genes: CBR4 (carbonyl reductase 4; minus strand), PALLD (palladin, cytoskeletal associated protein; plus strand). Cytogenetic location: 4q32.3.
Variant type: single nucleotide variant.
Coding change: c.2507C>G on transcript NM_001166108.2 (MANE Select); coding-DNA position 2507, C replaced by G.
Protein change: p.Pro836Arg; replaces proline 836 with arginine.
Molecular consequence: missense variant.
Genome position (GRCh38, 1-based): chr4:168,903,791, C>G. VCF-style: chr4-168903791-C-G. GRCh37 (hg19) VCF-style: chr4-169824942-C-G.
Other names: c.1310C>G, p.Pro437Arg (NM_001166109.2); c.995C>G, p.Pro332Arg (NM_001166110.2); c.335C>G, p.Pro112Arg (NM_001367567.1, NM_001367569.1); c.386C>G, p.Pro129Arg (NM_001367568.1, NM_001367570.1); c.2456C>G, p.Pro819Arg (NM_016081.4); c.995C>G (NM_001166110.1); short protein forms P332R, P437R, P819R, P112R, P129R, P836R.
Identifiers: ClinVar variation 1438164 (VCV001438164.9), dbSNP rs1464837952, ClinGen allele CA358799310.
Genomic context (GRCh38, chr4:168,903,791, plus strand): 5'-TCTTTAATCTTTGTTTCTATTCACAGATCTATTGGTTTAAAGATGGGAAGCAGATCTCTC[C>G]AAAGAGTGATCACTACACCATTCAAAGAGATCTCGATGGGACCTGCTCCCTCCATACCAC-3'
Protein context (NP_001159580.1, residues 826-846): YWFKDGKQIS[Pro836Arg]KSDHYTIQRD

ClinVar aggregate classification (germline): Uncertain significance. Review status: criteria provided, multiple submitters, no conflicts (2 of 4 stars). 2 submissions from 2 submitters: Uncertain significance (2). Last evaluated 2026-03-09.

Conditions:
Pancreatic adenocarcinoma. Identifiers: MedGen C0281361, MONDO:0006047, HP:0006725.

Allele frequency attached by ClinVar (database versions not stated): gnomAD exomes below 0.00001.
gnomAD v4.1: 1 of 1,611,102 alleles (0.000062%); highest among the groups gnomAD compares: Admixed American, 0.0017%; no homozygotes.

Submissions (2):

Ambry Genetics
Classification: Uncertain significance. Last evaluated: 2026-03-09. Review status: criteria provided, single submitter. Criteria: Ambry Variant Classification Scheme 2023. Collection method: clinical testing. Allele origin: germline.
Comment: The p.P332R variant (also known as c.995C>G), located in coding exon 5 of the PALLD gene, results from a C to G substitution at nucleotide position 995. The proline at codon 332 is replaced by arginine, an amino acid with dissimilar properties. This amino acid position is conserved. In addition, this alteration is predicted to be tolerated by in silico analysis. Based on the available evidence, the clinical significance of this variant remains unclear.

Labcorp Genetics (formerly Invitae), Labcorp
Classification: Uncertain significance for Pancreatic adenocarcinoma. Last evaluated: 2023-12-22. Review status: criteria provided, single submitter. Criteria: Invitae Variant Classification Sherloc (09022015). Collection method: clinical testing. Allele origin: germline.
Comment: This sequence change replaces proline, which is neutral and non-polar, with arginine, which is basic and polar, at codon 332 of the PALLD protein (p.Pro332Arg). This variant is present in population databases (no rsID available, gnomAD 0.003%). This variant has not been reported in the literature in individuals affected with PALLD-related conditions. ClinVar contains an entry for this variant (Variation ID: 1438164). An algorithm developed to predict the effect of missense changes on protein structure and function (PolyPhen-2) suggests that this variant is likely to be disruptive. In summary, the available evidence is currently insufficient to determine the role of this variant in disease. Therefore, it has been classified as a Variant of Uncertain Significance.